The following is an entry in ClinVar:

ClinVar aggregate classification (germline): Uncertain significance (1 of 4 stars; one submission).

Conditions:
Catecholaminergic polymorphic ventricular tachycardia 1. Also called: VENTRICULAR TACHYCARDIA, CATECHOLAMINERGIC POLYMORPHIC, 1, WITH OR WITHOUT ATRIAL DYSFUNCTION AND/OR DILATED CARDIOMYOPATHY; VENTRICULAR TACHYCARDIA, STRESS-INDUCED POLYMORPHIC 1; RYR2-Related Catecholaminergic Polymorphic Ventricular Tachycardia. Identifiers: Orphanet 3286, MedGen C1631597, MONDO:0011484, OMIM 604772.

Submission:

Labcorp Genetics (formerly Invitae), Labcorp
Classification: Uncertain significance for Catecholaminergic polymorphic ventricular tachycardia 1. Last evaluated: 2023-08-17. Review status: criteria provided, single submitter. Criteria: Invitae Variant Classification Sherloc (09022015). Collection method: clinical testing. Allele origin: germline.
Comment: ClinVar contains an entry for this variant (Variation ID: 945970). Advanced modeling of protein sequence and biophysical properties (such as structural, functional, and spatial information, amino acid conservation, physicochemical variation, residue mobility, and thermodynamic stability) performed at Invitae indicates that this missense variant is expected to disrupt RYR2 protein function. In summary, the available evidence is currently insufficient to determine the role of this variant in disease. Therefore, it has been classified as a Variant of Uncertain Significance. This variant is not present in population databases (gnomAD no frequency). This sequence change replaces aspartic acid, which is acidic and polar, with tyrosine, which is neutral and polar, at codon 4883 of the RYR2 protein (p.Asp4883Tyr). This variant has not been reported in the literature in individuals affected with RYR2-related conditions.

NM_001035.3(RYR2):c.14647G>T (p.Asp4883Tyr)

Gene: RYR2 (ryanodine receptor 2; plus strand). Cytogenetic location: 1q43.
Variant type: single nucleotide variant.
Coding change: c.14647G>T on transcript NM_001035.3 (MANE Select); coding-DNA position 14647, G replaced by T.
Protein change: p.Asp4883Tyr; replaces aspartic acid 4883 with tyrosine.
Molecular consequence: missense variant.
Genome position (GRCh38, 1-based): chr1:237,828,437, G>T. VCF-style: chr1-237828437-G-T. GRCh37 (hg19) VCF-style: chr1-237991737-G-T.
Other names: short protein forms D4883Y.
Identifiers: ClinVar variation 945970 (VCV000945970.11), dbSNP rs868808156, ClinGen allele CA39857686.